The following is an entry in ClinVar:

ClinVar aggregate classification (germline): Uncertain significance (1 of 4 stars; one submission).

Conditions:
Hereditary spastic paraplegia 11. Also called: Spastic Paraplegia 11; SPASTIC PARAPLEGIA, AUTOSOMAL RECESSIVE, COMPLICATED, WITH THIN CORPUS CALLOSUM; SPASTIC PARAPLEGIA, AUTOSOMAL RECESSIVE, WITH MENTAL IMPAIRMENT AND THIN CORPUS CALLOSUM; Nakamura Osame syndrome; Autosomal recessive hereditary spastic paraplegia, mental impairment, and thin corpus callosum; Spastic paraplegia, mental retardation and thin corpus callosum. Identifiers: Orphanet 2822, MedGen C1858479, MONDO:0011445, OMIM 604360.

Submission:

Labcorp Genetics (formerly Invitae), Labcorp
Classification: Uncertain significance for Hereditary spastic paraplegia 11. Last evaluated: 2021-09-27. Review status: criteria provided, single submitter. Criteria: Invitae Variant Classification Sherloc (09022015). Collection method: clinical testing. Allele origin: germline.
Comment: In summary, the available evidence is currently insufficient to determine the role of this variant in disease. Therefore, it has been classified as a Variant of Uncertain Significance. Algorithms developed to predict the effect of missense changes on protein structure and function output the following: SIFT: "Tolerated"; PolyPhen-2: "Possibly Damaging"; Align-GVGD: "Class C0". The aspartic acid amino acid residue is found in multiple mammalian species, which suggests that this missense change does not adversely affect protein function. This variant has not been reported in the literature in individuals affected with SPG11-related conditions. This variant is not present in population databases (ExAC no frequency). This sequence change replaces glutamic acid with aspartic acid at codon 2422 of the SPG11 protein (p.Glu2422Asp). The glutamic acid residue is weakly conserved and there is a small physicochemical difference between glutamic acid and aspartic acid.

NM_025137.4(SPG11):c.7266A>C (p.Glu2422Asp)

Gene: SPG11 (SPG11 vesicle trafficking associated, spatacsin; minus strand). Cytogenetic location: 15q21.1.
Variant type: single nucleotide variant.
Coding change: c.7266A>C on transcript NM_025137.4 (MANE Select); coding-DNA position 7266, A replaced by C.
Protein change: p.Glu2422Asp; replaces glutamic acid 2422 with aspartic acid.
Molecular consequence: missense variant.
Genome position (GRCh38, 1-based): chr15:44,563,187, T>G on the plus strand (A>C on the coding strand, the complement: SPG11 is on the minus strand). VCF-style: chr15-44563187-T-G. GRCh37 (hg19) VCF-style: chr15-44855385-T-G.
Other names: c.6927A>C, p.Glu2309Asp (NM_001160227.2); short protein forms E2309D, E2422D.
Identifiers: ClinVar variation 1520951 (VCV001520951.4), dbSNP rs1229173974, ClinGen allele CA392210164.